The following is an entry in ClinVar:

NM_001851.6(COL9A1):c.1864G>A (p.Gly622Arg)

Gene: COL9A1 (collagen type IX alpha 1 chain; minus strand). Cytogenetic location: 6q13.
Variant type: single nucleotide variant.
Coding change: c.1864G>A on transcript NM_001851.6 (MANE Select); coding-DNA position 1864, G replaced by A.
Protein change: p.Gly622Arg; replaces glycine 622 with arginine.
Molecular consequence: missense variant. On other transcripts: non-coding transcript variant (1).
Genome position (GRCh38, 1-based): chr6:70,252,128, C>T on the plus strand (G>A on the coding strand, the complement: COL9A1 is on the minus strand). VCF-style: chr6-70252128-C-T. GRCh37 (hg19) VCF-style: chr6-70961831-C-T.
Other names: c.1165G>A, p.Gly389Arg (NM_001377289.1); c.1135G>A, p.Gly379Arg (NM_001377290.1, NM_078485.4); short protein forms G379R, G389R, G622R.
Identifiers: ClinVar variation 2664842 (VCV002664842.1), dbSNP rs2483297998, ClinGen allele CA364677057.

ClinVar aggregate classification (germline): Uncertain significance (1 of 4 stars; one submission).

Conditions:
Stickler syndrome, type 4 (STL4). Identifiers: Orphanet 250984, Orphanet 828, MedGen C3279941, MONDO:0013590, OMIM 614134.

gnomAD v4.1: 1 of 1,614,102 alleles (0.000062%); highest among the groups gnomAD compares: Non-Finnish European, 0.000085%; no homozygotes.

Submission:

Genetics and Molecular Pathology, SA Pathology
Classification: Uncertain significance for Stickler syndrome, type 4. Last evaluated: 2023-03-21. Review status: criteria provided, single submitter. Criteria: ACMG Guidelines, 2015. Collection method: clinical testing. Allele origin: germline. Inheritance: Autosomal recessive inheritance. Affected: yes.
Comment: The COL9A1 c.1864G>A variant is classified as a VARIANT of UNCERTAIN SIGNIFICANCE (PM2, PP3, BP1, PM3) The COL9A1 c.1864G>A variant is a single nucleotide change in exon 28/38 of the COL9A1 gene, which is predicted to change the amino acid glycine at position 622 in the protein to arginine. This variant is absent from population databases (PM2). Computational predictions support a deleterious effect on the gene or gene product (PP3). Disease causing variants in COL9A1 are predominantly truncating variants and this variant is a missense variant (BP1). Parental testing has shown that these variants are in trans (PM3). This variant has not been reported in dbSNP, ClinVar or HGMD.